The following is an entry in ClinVar:

NM_001330311.2(DVL1):c.1760dup (p.Arg588fs)

Gene: DVL1 (dishevelled segment polarity protein 1; minus strand). Cytogenetic location: 1p36.33.
Variant type: Duplication.
Coding change: c.1760dup on transcript NM_001330311.2 (MANE Select); coding-DNA position 1760, one base duplicated (G; older notation c.1760dupG).
Protein change: p.Arg588fs; shifts the reading frame from arginine 588.
Molecular consequence: frameshift variant.
Genome position (GRCh38, 1-based): chr1:1,336,470, C duplicated on the plus strand (G on the coding strand, the reverse complement: DVL1 is on the minus strand); the first of 3 consecutive C bases (chr1:1,336,470-1,336,472); duplicating any one gives the same sequence. VCF-style (leftmost placement, unchanged base first): chr1-1336469-G-GC. GRCh37 (hg19) VCF-style: chr1-1271849-G-GC.
Other names: c.1685dup, p.Arg563fs (NM_004421.3); short protein forms R563fs, R588fs.
Identifiers: ClinVar variation 4886808 (VCV004886808.1).

ClinVar aggregate classification (germline): Uncertain significance (0 of 4 stars; one submission).

Submission:

Diagnostics Centre, Carl Von Ossietzky University Oldenburg
Classification: Uncertain significance. Last evaluated: 2026-01-21. Review status: no assertion criteria provided. Collection method: clinical testing. Allele origin: germline. Affected: yes. Observed: 1 variant allele.
Comment: The variant NM_004421.3(DVL1):c.1685dup p.(Arg563Profs*2) is located in the exon 15 of the DVL1 gene. The change results in a frameshift at protein position 563 and a premature stop codon causes a frameshift at protein position 563, and the formation of a premature stop codon after two amino acids. According to in silico tools, the altered gene product is not expected to undergo nonsense-mediated decay. However, the variant results in the loss of more than 10% of the encoded protein. The variant has not previously been reported in ClinVar or in any publications known to us. In the general population, this variant is considered very rare, as it has not been reported in gnomAD. In summary, this variant is classified as a variant of uncertain significance.